The following is an entry in ClinVar:

ClinVar aggregate classification (germline): Benign/Likely benign. Review status: criteria provided, multiple submitters, no conflicts (2 of 4 stars). 3 submissions from 3 submitters: Benign (1); Likely benign (2). Last evaluated 2025-10-24.

Conditions:
Hereditary cancer-predisposing syndrome. Also called: Tumor predisposition; Hereditary Cancer Syndrome; Neoplastic Syndromes, Hereditary; Hereditary neoplastic syndrome. Identifiers: Orphanet 140162, MedGen C0027672, MeSH D009386, MONDO:0015356.
Tuberous sclerosis 2 (TSC2). Identifiers: Orphanet 805, MedGen C1860707, MONDO:0013199, OMIM 613254.

Allele frequency attached by ClinVar (database versions not stated): ExAC 0.00001; gnomAD 0.00001; 1000 Genomes Project 30x 0.00016; 1000 Genomes Project 0.00020.
gnomAD v4.1: 1 of 1,614,188 alleles (0.000062%); highest among the groups gnomAD compares: East Asian, 0.0022%; no homozygotes.

Submissions (3):

Labcorp Genetics (formerly Invitae), Labcorp
Classification: Likely benign for Tuberous sclerosis 2. Last evaluated: 2025-10-24. Review status: criteria provided, single submitter. Criteria: Invitae Variant Classification Sherloc (09022015). Collection method: clinical testing. Allele origin: germline.

Myriad Genetics, Inc.
Classification: Benign for Tuberous sclerosis 2. Last evaluated: 2025-05-13. Review status: criteria provided, single submitter. Criteria: Myriad Autosomal Dominant, Autosomal Recessive and X-Linked Classification Criteria (2023). Collection method: clinical testing. Allele origin: unknown.
Comment: This variant is considered benign. This variant is a silent/synonymous amino acid change and it is not expected to impact splicing.

Ambry Genetics
Classification: Likely benign for Hereditary cancer-predisposing syndrome. Last evaluated: 2019-10-17. Review status: criteria provided, single submitter. Criteria: Ambry Variant Classification Scheme 2023. Collection method: clinical testing. Allele origin: germline.

NM_000548.5(TSC2):c.1206G>A (p.Gly402=)

Gene: TSC2 (TSC complex subunit 2; plus strand). Cytogenetic location: 16p13.3.
Variant type: single nucleotide variant.
Coding change: c.1206G>A on transcript NM_000548.5 (MANE Select); coding-DNA position 1206, G replaced by A.
Protein change: p.Gly402=; no amino-acid change (glycine 402 retained).
Molecular consequence: synonymous variant.
Genome position (GRCh38, 1-based): chr16:2,061,957, G>A. VCF-style: chr16-2061957-G-A. GRCh37 (hg19) VCF-style: chr16-2111958-G-A.
Other names: c.1206G>A, p.Gly402= (NM_001363528.2, NM_001370404.1, NM_001370405.1 and 3 more transcripts); c.1095G>A, p.Gly365= (NM_001318827.2); c.1059G>A, p.Gly353= (NM_001318829.2); c.606G>A, p.Gly202= (NM_001318831.2); c.1239G>A, p.Gly413= (NM_001318832.2).
Identifiers: ClinVar variation 765973 (VCV000765973.14), dbSNP rs558873383, ClinGen allele CA028790.
Genomic context (GRCh38, chr16:2,061,957, plus strand): 5'-CATCGTCCATGACCTGTTGACCACGGTGGAGGAGCTGTGTGACCAGAACGAGTTCCACGG[G>A]TCTCAGGAGAGATACTTTGAACTGGTGGAGAGATGTGCGGACCAGAGGCCTGTGAGACCC-3'
Protein context (NP_000539.2, residues 392-412): EELCDQNEFH[Gly402=]SQERYFELVE